The following is an entry in ClinVar:

NM_000052.7(ATP7A):c.4390A>G (p.Ile1464Val)

Gene: ATP7A (ATPase copper transporting alpha; plus strand). Cytogenetic location: Xq21.1.
Variant type: single nucleotide variant.
Coding change: c.4390A>G on transcript NM_000052.7 (MANE Select); coding-DNA position 4390, A replaced by G.
Protein change: p.Ile1464Val; replaces isoleucine 1464 with valine.
Molecular consequence: missense variant. On other transcripts: non-coding transcript variant (1).
Genome position (GRCh38, 1-based): chrX:78,046,457, A>G. VCF-style: chrX-78046457-A-G. GRCh37 (hg19) VCF-style: chrX-77301954-A-G.
Other names: c.4156A>G, p.Ile1386Val (NM_001282224.2); short protein forms I1464V, I1386V.
Identifiers: ClinVar variation 166709 (VCV000166709.69), dbSNP rs2234938, ClinGen allele CA179760.

ClinVar aggregate classification (germline): Benign/Likely benign. Review status: criteria provided, multiple submitters, no conflicts (2 of 4 stars). 11 submissions from 11 submitters: Benign (8); Likely benign (1). 2 of the submissions do not count toward it. Last evaluated 2026-02-01.

Conditions:
ATP7A-related disorder. Also called: ATP7A-related condition.
Inborn genetic diseases. Identifiers: MedGen C0950123, MeSH D030342.
X-linked distal spinal muscular atrophy type 3. Also called: SPINAL MUSCULAR ATROPHY, DISTAL, X-LINKED RECESSIVE; NEURONOPATHY, DISTAL HEREDITARY MOTOR, X-LINKED; NEUROPATHY, DISTAL HEREDITARY MOTOR, X-LINKED; ATP7A-Related Distal Motor Neuropathy. Identifiers: Orphanet 139557, MedGen C1845359, MONDO:0010338, OMIM 300489.
Cutis laxa, X-linked (OHS). Also called: EDS IX; Occipital horn syndrome. Identifiers: Orphanet 198, MedGen C0268353, MONDO:0010572, OMIM 304150.
Menkes kinky-hair syndrome (MNK). Also called: Copper transport disease; Menkes Disease; Classic Menkes Disease. Identifiers: Orphanet 565, MedGen C0022716, MONDO:0010651, OMIM 309400.
Ehlers-Danlos syndrome (EDS). Identifiers: Orphanet 98249, MedGen C0013720, MONDO:0020066.

Allele frequency attached by ClinVar (database versions not stated): ExAC 0.00125; gnomAD exomes 0.00136 and 0.00115; 1000 Genomes Project 30x 0.00604; 1000 Genomes Project 0.00715; gnomAD 0.00066 and 0.00098; TOPMed 0.00079.
gnomAD v4.1: 1,411 of 1,209,457 alleles (0.12%); highest among the groups gnomAD compares: East Asian, 3.8%; 27 homozygotes.

Submissions (11):

Labcorp Genetics (formerly Invitae), Labcorp
Classification: Benign for X-linked distal spinal muscular atrophy type 3; Cutis laxa, X-linked; Menkes kinky-hair syndrome. Last evaluated: 2026-02-01. Review status: criteria provided, single submitter. Criteria: Invitae Variant Classification Sherloc (09022015). Collection method: clinical testing. Allele origin: germline.

Mayo Clinic Laboratories, Mayo Clinic
Classification: Benign. Last evaluated: 2025-04-02. Review status: criteria provided, single submitter. Criteria: ACMG Guidelines, 2015. Collection method: clinical testing. Allele origin: germline. Observed: 1 variant allele.
Comment: BS1, BS2, BP4

Blueprint Genetics
Classification: Likely benign. Last evaluated: 2024-11-14. Review status: criteria provided, single submitter. Criteria: ACMG Guidelines, 2015. Collection method: clinical testing. Allele origin: germline.

Fulgent Genetics
Classification: Benign for X-linked distal spinal muscular atrophy type 3; Cutis laxa, X-linked; Menkes kinky-hair syndrome. Last evaluated: 2022-04-26. Review status: criteria provided, single submitter. Criteria: ACMG Guidelines, 2015. Collection method: clinical testing. Allele origin: unknown.

Genome Diagnostics Laboratory, The Hospital for Sick Children
Classification: Benign for Ehlers-Danlos syndrome. Last evaluated: 2020-05-01. Review status: criteria provided, single submitter. Criteria: ACMG Guidelines, 2015. Collection method: clinical testing. Allele origin: germline.

Eurofins Ntd Llc (ga)
Classification: Benign. Last evaluated: 2017-03-23. Review status: criteria provided, single submitter. Criteria: EGL Classification Definitions 2015. Collection method: clinical testing. Allele origin: germline. Observed: 1 variant allele, 1 hemizygote.

Ambry Genetics
Classification: Benign for Inborn genetic diseases. Last evaluated: 2017-02-28. Review status: criteria provided, single submitter. Criteria: Ambry Variant Classification Scheme 2023. Collection method: clinical testing. Allele origin: germline.

GeneDx
Classification: Benign. Last evaluated: 2017-01-10. Review status: criteria provided, single submitter. Criteria: GeneDx Variant Classification (06012015). Collection method: clinical testing. Allele origin: germline. Affected: yes.
Comment: This variant is considered likely benign or benign based on one or more of the following criteria: it is a conservative change, it occurs at a poorly conserved position in the protein, it is predicted to be benign by multiple in silico algorithms, and/or has population frequency not consistent with disease.

Genetic Services Laboratory, University of Chicago
Classification: Benign. Last evaluated: 2013-02-08. Review status: criteria provided, single submitter. Criteria: ACMG Guidelines, 2007. Collection method: clinical testing. Allele origin: germline.

Natera, Inc.
Classification: Benign for Distal spinal muscular atrophy, X-linked 3; Cutis laxa, X-linked; Menkes kinky-hair syndrome. Last evaluated: 2020-09-16. Review status: no assertion criteria provided. Collection method: clinical testing. Allele origin: germline. Not counted in ClinVar's aggregate classification.

PreventionGenetics, part of Exact Sciences
Classification: Benign for ATP7A-related condition. Last evaluated: 2019-08-16. Review status: no assertion criteria provided. Collection method: clinical testing. Allele origin: germline. Not counted in ClinVar's aggregate classification.
Comment: This variant is classified as benign based on ACMG/AMP sequence variant interpretation guidelines (Richards et al. 2015 PMID: 25741868, with internal and published modifications).

Literature cited by the submitters: PubMed 23281160 (cited by Mayo Clinic Laboratories, Mayo Clinic and Ambry Genetics); PubMed 33151932 (cited by Mayo Clinic Laboratories, Mayo Clinic); PubMed 10570920 (cited by Ambry Genetics); PubMed 11241493 (cited by Ambry Genetics); PubMed 20045993 (cited by Ambry Genetics).